The following is an entry in ClinVar:

ClinVar aggregate classification (germline): Uncertain significance. Review status: criteria provided, multiple submitters, no conflicts (2 of 4 stars). 2 submissions from 2 submitters: Uncertain significance (2). Last evaluated 2025-05-01.

Conditions:
Facioscapulohumeral muscular dystrophy 2 (FSHD2). Also called: FACIOSCAPULOHUMERAL MUSCULAR DYSTROPHY 2, DIGENIC; FSHD2, DIGENIC; MUSCULAR DYSTROPHY, FACIOSCAPULOHUMERAL, TYPE 1B. Identifiers: Orphanet 269, MedGen C1834671, MONDO:0008031, OMIM 158901.

gnomAD v4.1: 7 of 1,598,672 alleles (0.00044%); highest among the groups gnomAD compares: Admixed American, 0.0052%; no homozygotes.

Submissions (2):

Revvity Omics, Revvity
Classification: Uncertain significance. Last evaluated: 2025-05-01. Review status: criteria provided, single submitter. Criteria: ACMG Guidelines, 2015. Collection method: clinical testing. Allele origin: germline.

Labcorp Genetics (formerly Invitae), Labcorp
Classification: Uncertain significance for Facioscapulohumeral muscular dystrophy 2. Last evaluated: 2025-02-25. Review status: criteria provided, single submitter. Criteria: Invitae Variant Classification Sherloc (09022015). Collection method: clinical testing. Allele origin: germline.
Comment: This sequence change creates a premature translational stop signal (p.Arg1991*) in the SMCHD1 gene. While this is not anticipated to result in nonsense mediated decay, it is expected to disrupt the last 15 amino acid(s) of the SMCHD1 protein. The frequency data for this variant in the population databases is considered unreliable, as metrics indicate poor data quality at this position in the gnomAD database. This variant has not been reported in the literature in individuals affected with SMCHD1-related conditions. Experimental studies and prediction algorithms are not available or were not evaluated, and the functional significance of this variant is currently unknown. In summary, the available evidence is currently insufficient to determine the role of this variant in disease. Therefore, it has been classified as a Variant of Uncertain Significance.

NM_015295.3(SMCHD1):c.5971C>T (p.Arg1991Ter)

Gene: SMCHD1 (structural maintenance of chromosomes flexible hinge domain containing 1; plus strand). Cytogenetic location: 18p11.32.
Variant type: single nucleotide variant.
Coding change: c.5971C>T on transcript NM_015295.3 (MANE Select); coding-DNA position 5971, C replaced by T.
Protein change: p.Arg1991Ter; replaces arginine 1991 with a stop codon.
Molecular consequence: nonsense.
Genome position (GRCh38, 1-based): chr18:2,796,499, C>T. VCF-style: chr18-2796499-C-T. GRCh37 (hg19) VCF-style: chr18-2796497-C-T.
Other names: short protein forms R1991*.
Identifiers: ClinVar variation 4080132 (VCV004080132.2).